The following is an entry in ClinVar:

NM_000384.3(APOB):c.30G>C (p.Ala10=)

Genes: APOB (apolipoprotein B; minus strand), LOC106560211 (APOB 5' regulatory region; plus strand). Cytogenetic location: 2p24.1.
Variant type: single nucleotide variant.
Coding change: c.30G>C on transcript NM_000384.3 (MANE Select); coding-DNA position 30, G replaced by C.
Protein change: p.Ala10=; no amino-acid change (alanine 10 retained).
Molecular consequence: synonymous variant.
Genome position (GRCh38, 1-based): chr2:21,043,916, C>G on the plus strand (G>C on the coding strand, the complement: APOB is on the minus strand). VCF-style: chr2-21043916-C-G. GRCh37 (hg19) VCF-style: chr2-21266788-C-G.
Identifiers: ClinVar variation 1727626 (VCV001727626.6), dbSNP rs985120737, ClinGen allele CA43470290.

ClinVar aggregate classification (germline): Likely benign. Review status: criteria provided, multiple submitters, no conflicts (2 of 4 stars). 3 submissions from 3 submitters: Likely benign (3). Last evaluated 2026-09-01.

Conditions:
Cardiovascular phenotype. Identifiers: MedGen CN230736.
Hypercholesterolemia, autosomal dominant, type B (FHCL2). Also called: Familial hypercholesterolemia 2; APOB-Related Familial Hypercholesterolemia, Autosomal Dominant; Familial Hypercholesterolemia Type B; Hyperlipoproteinemia Type IIb; APOLIPOPROTEIN B-100, FAMILIAL DEFECTIVE; APOLIPOPROTEIN B-100, FAMILIAL LIGAND-DEFECTIVE. Identifiers: MedGen C1704417, MONDO:0007751, OMIM 144010.
Familial hypobetalipoproteinemia 1. Also called: Acanthocytosis with hypobetalipoproteinemia; APOB-Related Familial Hypobetalipoproteinemia; Hypobetalipoproteinemia, normotriglyceridemic. Identifiers: MedGen C4551990, MONDO:0014252, OMIM 615558.

Allele frequency attached by ClinVar (database versions not stated): TOPMed 0.00001.
gnomAD v4.1: 1 of 1,411,598 alleles (0.000071%); highest among the groups gnomAD compares: Non-Finnish European, 0.000092%; no homozygotes.

Submissions (3):

CeGaT Center for Human Genetics Tuebingen
Classification: Likely benign. Last evaluated: 2026-09-01. Review status: criteria provided, single submitter. Criteria: CeGaT Center For Human Genetics Tuebingen Variant Classification Criteria Version 2. Collection method: clinical testing. Allele origin: germline. Affected: yes. Observed: 1 variant allele.
Comment: APOB: BP4, BP7

Labcorp Genetics (formerly Invitae), Labcorp
Classification: Likely benign for Familial hypobetalipoproteinemia 1; Hypercholesterolemia, autosomal dominant, type B. Last evaluated: 2024-06-19. Review status: criteria provided, single submitter. Criteria: Invitae Variant Classification Sherloc (09022015). Collection method: clinical testing. Allele origin: germline.

Ambry Genetics
Classification: Likely benign for Cardiovascular phenotype. Last evaluated: 2018-09-21. Review status: criteria provided, single submitter. Criteria: Ambry Variant Classification Scheme 2023. Collection method: clinical testing. Allele origin: germline.